The following is an entry in ClinVar:

NM_000136.3(FANCC):c.812G>C (p.Arg271Thr)

Genes: AOPEP (aminopeptidase O (putative); plus strand), FANCC (FA complementation group C; minus strand). Cytogenetic location: 9q22.32.
Variant type: single nucleotide variant.
Coding change: c.812G>C on transcript NM_000136.3 (MANE Select); coding-DNA position 812, G replaced by C.
Protein change: p.Arg271Thr; replaces arginine 271 with threonine.
Molecular consequence: missense variant.
Genome position (GRCh38, 1-based): chr9:95,135,377, C>G on the plus strand (G>C on the coding strand, the complement: FANCC is on the minus strand). VCF-style: chr9-95135377-C-G. GRCh37 (hg19) VCF-style: chr9-97897659-C-G.
Other names: c.812G>C, p.Arg271Thr (NM_001243743.2, NM_001243744.2); short protein forms R271T.
Identifiers: ClinVar variation 2016688 (VCV002016688.5), dbSNP rs1344154616, ClinGen allele CA374109234.
Genomic context (GRCh38, chr9:95,135,377, plus strand): 5'-TTTTCCCTTCATCAAAACCCAGTACGTACCAGCGATGAATCTTTTATAAAGCATTCGATC[C>G]TTCTCAGACAATTTCTCTCACTGGAGATTAGCTTTTCAAAAAGATGCAGCATTGCTTTTT-3'
Protein context (NP_000127.2, residues 261-281): LISSERNCLR[Arg271Thr]IECFIKDSSL

ClinVar aggregate classification (germline): Uncertain significance. Review status: criteria provided, multiple submitters, no conflicts (2 of 4 stars). 2 submissions from 2 submitters: Uncertain significance (2). Last evaluated 2024-03-30.

Conditions:
Hereditary cancer-predisposing syndrome. Also called: Hereditary Cancer Syndrome; Neoplastic Syndromes, Hereditary; Hereditary neoplastic syndrome; Tumor predisposition. Identifiers: Orphanet 140162, MedGen C0027672, MeSH D009386, MONDO:0015356.
Fanconi anemia (FA). Also called: Fanconi's anemia. Identifiers: Orphanet 84, MedGen C0015625, MeSH D005199, MONDO:0019391.

gnomAD v4.1: 1 of 1,614,092 alleles (0.000062%); highest among the groups gnomAD compares: Non-Finnish European, 0.000085%; no homozygotes.

Submissions (2):

Ambry Genetics
Classification: Uncertain significance for Hereditary cancer-predisposing syndrome. Last evaluated: 2024-03-30. Review status: criteria provided, single submitter. Criteria: Ambry Variant Classification Scheme 2023. Collection method: clinical testing. Allele origin: germline.
Comment: The p.R271T variant (also known as c.812G>C), located in coding exon 7 of the FANCC gene, results from a G to C substitution at nucleotide position 812. The arginine at codon 271 is replaced by threonine, an amino acid with similar properties. This amino acid position is conserved. In addition, this alteration is predicted to be tolerated by in silico analysis. Based on the available evidence, the clinical significance of this alteration remains unclear.

Labcorp Genetics (formerly Invitae), Labcorp
Classification: Uncertain significance for Fanconi anemia. Last evaluated: 2022-10-11. Review status: criteria provided, single submitter. Criteria: Invitae Variant Classification Sherloc (09022015). Collection method: clinical testing. Allele origin: germline.
Comment: In summary, the available evidence is currently insufficient to determine the role of this variant in disease. Therefore, it has been classified as a Variant of Uncertain Significance. Advanced modeling of protein sequence and biophysical properties (such as structural, functional, and spatial information, amino acid conservation, physicochemical variation, residue mobility, and thermodynamic stability) performed at Invitae indicates that this missense variant is not expected to disrupt FANCC protein function. This variant has not been reported in the literature in individuals affected with FANCC-related conditions. This variant is not present in population databases (gnomAD no frequency). This sequence change replaces arginine, which is basic and polar, with threonine, which is neutral and polar, at codon 271 of the FANCC protein (p.Arg271Thr).